The following is an entry in ClinVar:

NM_002019.4(FLT1):c.3956C>T (p.Ala1319Val)

Gene: FLT1 (fms related receptor tyrosine kinase 1; minus strand). Cytogenetic location: 13q12.3.
Variant type: single nucleotide variant.
Coding change: c.3956C>T on transcript NM_002019.4 (MANE Select); coding-DNA position 3956, C replaced by T.
Protein change: p.Ala1319Val; replaces alanine 1319 with valine.
Molecular consequence: missense variant.
Genome position (GRCh38, 1-based): chr13:28,303,228, G>A on the plus strand (C>T on the coding strand, the complement: FLT1 is on the minus strand). VCF-style: chr13-28303228-G-A. GRCh37 (hg19) VCF-style: chr13-28877365-G-A.
Other names: short protein forms A1319V.
Identifiers: ClinVar variation 3279253 (VCV003279253.2).

ClinVar aggregate classification (germline): Uncertain significance. Review status: criteria provided, multiple submitters, no conflicts (2 of 4 stars). 2 submissions from 2 submitters: Uncertain significance (2). Last evaluated 2025-12-10.

Conditions:
FLT1-related disorder. Also called: FLT1-related condition.

gnomAD v4.1: 90 of 1,613,514 alleles (0.0056%); highest among the groups gnomAD compares: Non-Finnish European, 0.0066%; no homozygotes.

Submissions (2):

PreventionGenetics, part of Exact Sciences
Classification: Uncertain significance for FLT1-related condition. Last evaluated: 2025-12-10. Review status: criteria provided, single submitter. Criteria: ACMG Guidelines, 2015. Collection method: clinical testing. Allele origin: germline.
Comment: The FLT1 c.3956C>T variant is predicted to result in the amino acid substitution p.Ala1319Val. To our knowledge, this variant has not been reported in the literature. This variant is reported in 0.011% of alleles in individuals of East Asian descent in gnomAD. At this time, the clinical significance of this variant is uncertain due to the absence of conclusive functional and genetic evidence.

Ambry Genetics
Classification: Uncertain significance. Last evaluated: 2024-06-05. Review status: criteria provided, single submitter. Criteria: Ambry Variant Classification Scheme 2023. Collection method: clinical testing. Allele origin: germline.